The following is an entry in ClinVar:

NM_001130965.3(SUN1):c.514G>T (p.Val172Leu)

Gene: SUN1 (Sad1 and UNC84 domain containing 1; plus strand). Cytogenetic location: 7p22.3.
Variant type: single nucleotide variant.
Coding change: c.514G>T on transcript NM_001130965.3 (MANE Select); coding-DNA position 514, G replaced by T.
Protein change: p.Val172Leu; replaces valine 172 with leucine.
Molecular consequence: missense variant. On other transcripts: 5 prime UTR variant (3), non-coding transcript variant (3), intron variant (1).
Genome position (GRCh38, 1-based): chr7:843,376, G>T. VCF-style: chr7-843376-G-T. GRCh37 (hg19) VCF-style: chr7-883013-G-T.
Other names: c.514G>T, p.Val172Leu (NM_001367687.1, NM_001367688.1, NM_001367690.1 and 32 more transcripts); c.364G>T, p.Val122Leu (NM_001367689.1, NM_001367691.1, NM_001367679.1 and 23 more transcripts); c.325G>T, p.Val109Leu (NM_001367695.1); c.-54G>T (NM_001367708.1, NM_001367639.1); c.451+1246G>T (NM_001171944.2); c.541G>T, p.Val181Leu (NM_001367669.1); c.-248G>T (NM_001367658.1); c.577G>T, p.Val193Leu (NM_001171945.2); and 2 more; short protein forms V122L, V172L, V193L, M19I, V109L, V245L, V181L.
Identifiers: ClinVar variation 4768232 (VCV004768232.1).

ClinVar aggregate classification (germline): Uncertain significance (1 of 4 stars; one submission).

Conditions:
Emery-Dreifuss muscular dystrophy (EDMD). Also called: Scapuloperoneal syndrome, X-linked (formerly); Humeroperoneal neuromuscular disease, (formerly). Identifiers: Orphanet 261, MedGen C0410189, MONDO:0016830.

Submission:

Labcorp Genetics (formerly Invitae), Labcorp
Classification: Uncertain significance for Emery-Dreifuss muscular dystrophy. Last evaluated: 2025-12-18. Review status: criteria provided, single submitter. Criteria: Invitae Variant Classification Sherloc (09022015). Collection method: clinical testing. Allele origin: germline.
Comment: This sequence change replaces valine, which is neutral and non-polar, with leucine, which is neutral and non-polar, at codon 172 of the SUN1 protein (p.Val172Leu). This variant is not present in population databases (gnomAD no frequency). This missense change has been observed in individual(s) with neurodevelopmental disorders (PMID: 33057194, 35982159). An algorithm developed to predict the effect of missense changes on protein structure and function outputs the following: PolyPhen-2: "Benign". The leucine amino acid residue is found in multiple mammalian species, which suggests that this missense change does not adversely affect protein function. In summary, the available evidence is currently insufficient to determine the role of this variant in disease. Therefore, it has been classified as a Variant of Uncertain Significance.

Literature cited by the submitters: PubMed 33057194; PubMed 35982159.